The following is an entry in ClinVar:

ClinVar aggregate classification (germline): Likely benign (0 of 4 stars; one submission).

Conditions:
MINAR2-related condition.

gnomAD v4.1: 341 of 1,323,974 alleles (0.026%); highest among the groups gnomAD compares: African/African-American, 0.4%; no homozygotes.

Submission:

PreventionGenetics, part of Exact Sciences
Classification: Likely benign for MINAR2-related condition. Last evaluated: 2024-04-25. Review status: no assertion criteria provided. Collection method: clinical testing. Allele origin: germline.
Comment: This variant is classified as likely benign based on ACMG/AMP sequence variant interpretation guidelines (Richards et al. 2015 PMID: 25741868, with internal and published modifications).

NM_001257308.2(MINAR2):c.412C>T (p.Arg138Trp)

Gene: MINAR2 (membrane integral NOTCH2 associated receptor 2; plus strand). Cytogenetic location: 5q23.3.
Variant type: single nucleotide variant.
Coding change: c.412C>T on transcript NM_001257308.2 (MANE Select); coding-DNA position 412, C replaced by T.
Protein change: p.Arg138Trp; replaces arginine 138 with tryptophan.
Molecular consequence: missense variant.
Genome position (GRCh38, 1-based): chr5:129,764,902, C>T. VCF-style: chr5-129764902-C-T. GRCh37 (hg19) VCF-style: chr5-129100595-C-T.
Other names: short protein forms R138W.
Identifiers: ClinVar variation 3355390 (VCV003355390.1).
Genomic context (GRCh38, chr5:129,764,902, plus strand): 5'-TGATTACTGATTAATCATATTCTCTATGTAATTTTCTTTTAGGAAAATCCTAATGACCTG[C>T]GGTTTTGGTTGGGAGACATGTACACTCCAGGTTTTGACACTTTATTGAAAAAGGAAGAGA-3'
Protein context (NP_001244237.1, residues 128-148): GHLKENPNDL[Arg138Trp]FWLGDMYTPG